The following is an entry in ClinVar:

ClinVar aggregate classification (germline): Uncertain significance (1 of 4 stars; one submission).

Submission:

GeneDx
Classification: Uncertain significance. Last evaluated: 2024-11-08. Review status: criteria provided, single submitter. Criteria: GeneDx Variant Classification Process June 2021. Collection method: clinical testing. Allele origin: germline. Affected: yes.
Comment: Not observed at significant frequency in large population cohorts (gnomAD); In silico analysis indicates that this missense variant does not alter protein structure/function; Has not been previously published as pathogenic or benign to our knowledge

NM_152641.4(ARID2):c.1972C>G (p.Gln658Glu)

Gene: ARID2 (AT-rich interaction domain 2; plus strand). Cytogenetic location: 12q12.
Variant type: single nucleotide variant.
Coding change: c.1972C>G on transcript NM_152641.4 (MANE Select); coding-DNA position 1972, C replaced by G.
Protein change: p.Gln658Glu; replaces glutamine 658 with glutamic acid.
Molecular consequence: missense variant.
Genome position (GRCh38, 1-based): chr12:45,850,095, C>G. VCF-style: chr12-45850095-C-G. GRCh37 (hg19) VCF-style: chr12-46243878-C-G.
Other names: c.1972C>G, p.Gln658Glu (NM_001347839.2); short protein forms Q658E.
Identifiers: ClinVar variation 3898772 (VCV003898772.1).